The following is an entry in ClinVar:

ClinVar aggregate classification (germline): Uncertain significance (1 of 4 stars; one submission).

Conditions:
Noonan syndrome 9 (NS9). Identifiers: Orphanet 648, MedGen C4225282, MONDO:0014691, OMIM 616559.

Submission:

Labcorp Genetics (formerly Invitae), Labcorp
Classification: Uncertain significance for Noonan syndrome 9. Last evaluated: 2023-06-25. Review status: criteria provided, single submitter. Criteria: Invitae Variant Classification Sherloc (09022015). Collection method: clinical testing. Allele origin: germline.
Comment: In summary, the available evidence is currently insufficient to determine the role of this variant in disease. Therefore, it has been classified as a Variant of Uncertain Significance. Advanced modeling of protein sequence and biophysical properties (such as structural, functional, and spatial information, amino acid conservation, physicochemical variation, residue mobility, and thermodynamic stability) performed at Invitae indicates that this missense variant is expected to disrupt SOS2 protein function. This variant has not been reported in the literature in individuals affected with SOS2-related conditions. This variant is not present in population databases (gnomAD no frequency). This sequence change replaces glutamic acid, which is acidic and polar, with alanine, which is neutral and non-polar, at codon 844 of the SOS2 protein (p.Glu844Ala).

NM_006939.4(SOS2):c.2531A>C (p.Glu844Ala)

Gene: SOS2 (SOS Ras/Rho guanine nucleotide exchange factor 2; minus strand). Cytogenetic location: 14q21.3.
Variant type: single nucleotide variant.
Coding change: c.2531A>C on transcript NM_006939.4 (MANE Select); coding-DNA position 2531, A replaced by C.
Protein change: p.Glu844Ala; replaces glutamic acid 844 with alanine.
Molecular consequence: missense variant.
Genome position (GRCh38, 1-based): chr14:50,145,306, T>G on the plus strand (A>C on the coding strand, the complement: SOS2 is on the minus strand). VCF-style: chr14-50145306-T-G. GRCh37 (hg19) VCF-style: chr14-50612024-T-G.
Other names: c.2432A>C, p.Glu811Ala (NM_001411020.1); short protein forms E811A, E844A.
Identifiers: ClinVar variation 2728556 (VCV002728556.3), dbSNP rs2502915395, ClinGen allele CA389643178.